The following is an entry in ClinVar:

ClinVar aggregate classification (germline): Uncertain significance. Review status: criteria provided, multiple submitters, no conflicts (2 of 4 stars). 3 submissions from 3 submitters: Uncertain significance (3). Last evaluated 2023-06-18.

Conditions:
Developmental and epileptic encephalopathy. Identifiers: MedGen C5779964, MONDO:0100620.
Seizures, benign familial neonatal, 1. Also called: KCNQ2-Related Benign Familial Neonatal Epilepsy; Seizures, benign neonatal, 1; Benign Neonatal Epilepsy 1; KCNQ2-Related Self-Limited Familial Neonatal Epilepsy (SLFNE). Identifiers: Orphanet 1949, MedGen C3149074, MONDO:0007365, OMIM 121200.
Developmental and epileptic encephalopathy, 7 (DEE7). Also called: KCNQ2-Related Neonatal Epileptic Encephalopathy; Early infantile epileptic encephalopathy 7; KCNQ2-Related Neonatal-Onset Developmental and Epileptic Encephalopathy (NEO-DEE). Identifiers: Orphanet 439218, MedGen C3150986, MONDO:0013387, OMIM 613720.

Submissions (9):

Labcorp Genetics (formerly Invitae), Labcorp
Classification: Uncertain significance for Early-infantile DEE. Last evaluated: 2023-06-18. Review status: criteria provided, single submitter. Criteria: Invitae Variant Classification Sherloc (09022015). Collection method: clinical testing. Allele origin: germline.
Comment: This variant has not been reported in the literature in individuals affected with KCNQ2-related conditions. This variant, c.2102_2104del, results in the deletion of 1 amino acid(s) of the KCNQ2 protein (p.Phe701del), but otherwise preserves the integrity of the reading frame. This variant is present in population databases (rs758334927, gnomAD 0.002%). ClinVar contains an entry for this variant (Variation ID: 205944). Algorithms developed to predict the effect of variants on protein structure and function are not available or were not evaluated for this variant. Experimental studies are conflicting or provide insufficient evidence to determine the effect of this variant on KCNQ2 function (PMID: 35104249). In summary, the available evidence is currently insufficient to determine the role of this variant in disease. Therefore, it has been classified as a Variant of Uncertain Significance.

Mayo Clinic Laboratories, Mayo Clinic
Classification: Uncertain significance for Developmental and epileptic encephalopathy, 7; Seizures, benign familial neonatal, 1. Last evaluated: 2016-12-28. Review status: criteria provided, single submitter. Criteria: ACMG Guidelines, 2015. Collection method: clinical testing. Allele origin: paternal.

GeneDx
Classification: Uncertain significance. Last evaluated: 2013-11-04. Review status: criteria provided, single submitter. Criteria: GeneDx Variant Classification (06012015). Collection method: clinical testing. Allele origin: germline. Affected: yes.
Comment: c.2102_2104delTCT: p.Phe701del in exon 17 in the KCNQ2 gene (NM_172107.2). The normal sequence with the bases that are deleted in braces is: AACT{TCT}CGGC. The c.2102_2104delTCT variant in the KCNQ2 gene has not been reported previously as a disease-causing mutation nor as a benign polymorphism, to our knowledge. This variant is an in-frame deletion of the Phenylalanine 170, denoted p.Phe710del, which is a residue that is not well conserved across species. The c.2102_2104delTCT variant was not observed in approximately 6,500 individuals of European and African American ancestry in the NHLBI Exome Sequencing Project, indicating it is not a common benign variant in these populations. Other in-frame deletions in the KCNQ2 gene have been reported in association with epilepsy. We interpret c.2102_2104delTCT as a variant of unknown significance. The variant is found in KCNQ2 panel(s).

Channelopathy-Associated Epilepsy Research Center
No classification provided (evidence only). Condition: Complex neurodevelopmental disorder. Review status: no classification provided. Collection method: literature only. Allele origin: not applicable. Functional consequence: Mild decrease in peak current, Moderate slowing of activation, Normal voltage dependence of activation. Not counted in ClinVar's aggregate classification.
ClinVar note: "not provided" was previously submitted as the classification for the variant. However, the classification appeared to be based only on an observation of functional data so it was converted to no classification on 2025-07-30.

Channelopathy-Associated Epilepsy Research Center
No classification provided (evidence only). Review status: no classification provided. Collection method: in vitro. Allele origin: not applicable. Functional consequence: Increase in peak current. Not counted in ClinVar's aggregate classification.

Channelopathy-Associated Epilepsy Research Center
No classification provided (evidence only). Review status: no classification provided. Collection method: in vitro. Allele origin: not applicable. Functional consequence: Increase in peak current. Not counted in ClinVar's aggregate classification.

Channelopathy-Associated Epilepsy Research Center
No classification provided (evidence only). Review status: no classification provided. Collection method: in vitro. Allele origin: not applicable. Functional consequence: Normal voltage dependence of activation. Not counted in ClinVar's aggregate classification.

Channelopathy-Associated Epilepsy Research Center
No classification provided (evidence only). Review status: no classification provided. Collection method: in vitro. Allele origin: not applicable. Functional consequence: Normal slope of activation. Not counted in ClinVar's aggregate classification.

Channelopathy-Associated Epilepsy Research Center
No classification provided (evidence only). Review status: no classification provided. Collection method: in vitro. Allele origin: not applicable. Functional consequence: Normal rate of activation. Not counted in ClinVar's aggregate classification.

Literature cited by the submitters: PubMed 35104249 (cited by Labcorp Genetics (formerly Invitae), Labcorp and Channelopathy-Associated Epilepsy Research Center).

NM_172107.4(KCNQ2):c.2102_2104del (p.Phe701del)

Gene: KCNQ2 (potassium voltage-gated channel subfamily Q member 2; minus strand). Cytogenetic location: 20q13.33.
Variant type: Deletion.
Coding change: c.2102_2104del on transcript NM_172107.4 (MANE Select); coding-DNA positions 2102 to 2104, 3 bases deleted (TCT; older notation c.2102_2104delTCT).
Protein change: p.Phe701del; deletes phenylalanine 701.
Molecular consequence: inframe deletion.
Genome position (GRCh38, 1-based): chr20:63,407,159-63,407,161, AGA deleted on the plus strand (TCT on the coding strand, the reverse complement: KCNQ2 is on the minus strand); deleting any 3 consecutive bases within chr20:63,407,159-63,407,163 gives the same sequence; the c. name uses the placement nearest the transcript's 3' end. VCF-style (leftmost placement, unchanged base first): chr20-63407158-GAGA-G. GRCh37 (hg19) VCF-style: chr20-62038511-GAGA-G.
Other names: c.2018_2020del, p.Phe673del (NM_004518.6); c.2048_2050del, p.Phe683del (NM_172106.3); c.2009_2011del, p.Phe670del (NM_172108.5); c.2101_2103delTTC (NM_172107.4); short protein forms F701del, F673del, F670del, F683del.
Identifiers: ClinVar variation 205944 (VCV000205944.15), dbSNP rs758334927, ClinGen allele CA315553.